The following is an entry in ClinVar:

ClinVar aggregate classification (germline): Likely pathogenic (1 of 4 stars; one submission).

Conditions:
Hereditary cancer-predisposing syndrome. Also called: Tumor predisposition; Neoplastic Syndromes, Hereditary; Hereditary Cancer Syndrome; Hereditary neoplastic syndrome. Identifiers: Orphanet 140162, MedGen C0027672, MeSH D009386, MONDO:0015356.

Submission:

Ambry Genetics
Classification: Likely pathogenic for Hereditary cancer-predisposing syndrome. Last evaluated: 2025-08-05. Review status: criteria provided, single submitter. Criteria: Ambry Variant Classification Scheme 2023. Collection method: clinical testing. Allele origin: germline.
Comment: The c.132+1G>C intronic variant results from a G to C substitution one nucleotide after coding exon 1 of the FH gene. Alterations that disrupt the canonical splice site are expected to cause aberrant splicing, resulting in an abnormal protein or a transcript that is subject to nonsense-mediated mRNA decay. This variant has been reported in an individual with suspected Hereditary leiomyomatosis and renal cell cancer (Seo JY et al. Ann Lab Med, 2021 Mar;41:207-213). This variant is considered to be rare based on population cohorts in the Genome Aggregation Database (gnomAD). This nucleotide position is highly conserved in available vertebrate species. In silico splice site analysis predicts that this alteration will weaken the native splice donor site; however, direct evidence is insufficient at this time (Ambry internal data). Based on the majority of available evidence to date, this variant is likely to be pathogenic.

Literature cited by the submitters: PubMed 33063682.

NM_000143.4(FH):c.132+1G>C

Gene: FH (fumarate hydratase; minus strand). Cytogenetic location: 1q43.
Variant type: single nucleotide variant.
Coding change: c.132+1G>C on transcript NM_000143.4 (MANE Select); the canonical splice donor site of the intron after coding-DNA position 132, G replaced by C.
Molecular consequence: splice donor variant.
Genome position (GRCh38, 1-based): chr1:241,519,590, C>G on the plus strand (G>C on the coding strand, the complement: FH is on the minus strand). VCF-style: chr1-241519590-C-G. GRCh37 (hg19) VCF-style: chr1-241682890-C-G.
Identifiers: ClinVar variation 3515108 (VCV003515108.2).